The following is an entry in ClinVar:

ClinVar aggregate classification (germline): Uncertain significance. Review status: criteria provided, multiple submitters, no conflicts (2 of 4 stars). 2 submissions from 2 submitters: Uncertain significance (2). Last evaluated 2023-02-03.

Conditions:
Cardiovascular phenotype. Identifiers: MedGen CN230736.

Allele frequency attached by ClinVar (database versions not stated): gnomAD exomes 0.00002; gnomAD 0.00003; TOPMed 0.00003.
gnomAD v4.1: 36 of 1,550,156 alleles (0.0023%); highest among the groups gnomAD compares: African/African-American, 0.0055%; no homozygotes.

Submissions (2):

GeneDx
Classification: Uncertain significance. Last evaluated: 2023-02-03. Review status: criteria provided, single submitter. Criteria: GeneDx Variant Classification Process June 2021. Collection method: clinical testing. Allele origin: germline. Affected: yes.
Comment: Not observed at significant frequency in large population cohorts (gnomAD); In silico analysis supports that this missense variant does not alter protein structure/function; Has not been previously published as pathogenic or benign to our knowledge

Ambry Genetics
Classification: Uncertain significance for Cardiovascular phenotype. Last evaluated: 2022-10-21. Review status: criteria provided, single submitter. Criteria: Ambry Variant Classification Scheme 2023. Collection method: clinical testing. Allele origin: germline.
Comment: The p.E2025K variant (also known as c.6073G>A), located in coding exon 2 of the ZNF469 gene, results from a G to A substitution at nucleotide position 6073. The glutamic acid at codon 2025 is replaced by lysine, an amino acid with similar properties. This amino acid position is conserved. In addition, this alteration is predicted to be tolerated by in silico analysis. Since supporting evidence is limited at this time, the clinical significance of this alteration remains unclear.

NM_001367624.2(ZNF469):c.6157G>A (p.Glu2053Lys)

Gene: ZNF469 (zinc finger protein 469; plus strand). Cytogenetic location: 16q24.2.
Variant type: single nucleotide variant.
Coding change: c.6157G>A on transcript NM_001367624.2 (MANE Select); coding-DNA position 6157, G replaced by A.
Protein change: p.Glu2053Lys; replaces glutamic acid 2053 with lysine.
Molecular consequence: missense variant.
Genome position (GRCh38, 1-based): chr16:88,433,627, G>A. VCF-style: chr16-88433627-G-A. GRCh37 (hg19) VCF-style: chr16-88500035-G-A.
Other names: NM_001127464.1:c.6073G>A; short protein forms E2053K.
Identifiers: ClinVar variation 1751406 (VCV001751406.5), dbSNP rs1346586544, ClinGen allele CA397104307.